The following is an entry in ClinVar:

ClinVar aggregate classification (germline): Likely benign (1 of 4 stars; one submission).

Allele frequency attached by ClinVar (database versions not stated): ExAC 0.00007; gnomAD 0.00009; ESP Exome Variant Server 0.00023.
gnomAD v4.1: 193 of 1,612,548 alleles (0.012%); highest among the groups gnomAD compares: Non-Finnish European, 0.015%; no homozygotes.

Submission:

CeGaT Center for Human Genetics Tuebingen
Classification: Likely benign. Last evaluated: 2024-09-01. Review status: criteria provided, single submitter. Criteria: CeGaT Center For Human Genetics Tuebingen Variant Classification Criteria Version 2. Collection method: clinical testing. Allele origin: germline. Affected: yes. Observed: 2 variant alleles.
Comment: HERC2: BP4, BP7

NM_004667.6(HERC2):c.8970A>G (p.Ser2990=)

Gene: HERC2 (HECT and RLD domain containing E3 ubiquitin protein ligase 2; minus strand). Cytogenetic location: 15q13.1.
Variant type: single nucleotide variant.
Coding change: c.8970A>G on transcript NM_004667.6 (MANE Select); coding-DNA position 8970, A replaced by G.
Protein change: p.Ser2990=; no amino-acid change (serine 2990 retained).
Molecular consequence: synonymous variant.
Genome position (GRCh38, 1-based): chr15:28,179,191, T>C on the plus strand (A>G on the coding strand, the complement: HERC2 is on the minus strand). VCF-style: chr15-28179191-T-C. GRCh37 (hg19) VCF-style: chr15-28424337-T-C.
Identifiers: ClinVar variation 2645056 (VCV002645056.24), dbSNP rs199850400, ClinGen allele CA7441304.